The following is an entry in ClinVar:

ClinVar aggregate classification (germline): Uncertain significance (1 of 4 stars; one submission).

Submission:

Labcorp Genetics (formerly Invitae), Labcorp
Classification: Uncertain significance. Last evaluated: 2024-03-16. Review status: criteria provided, single submitter. Criteria: Invitae Variant Classification Sherloc (09022015). Collection method: clinical testing. Allele origin: germline.
Comment: This sequence change replaces leucine, which is neutral and non-polar, with phenylalanine, which is neutral and non-polar, at codon 2373 of the ITPR1 protein (p.Leu2373Phe). This variant is not present in population databases (gnomAD no frequency). This variant has not been reported in the literature in individuals affected with ITPR1-related conditions. Advanced modeling of protein sequence and biophysical properties (such as structural, functional, and spatial information, amino acid conservation, physicochemical variation, residue mobility, and thermodynamic stability) performed at Invitae indicates that this missense variant is not expected to disrupt ITPR1 protein function with a negative predictive value of 95%. In summary, the available evidence is currently insufficient to determine the role of this variant in disease. Therefore, it has been classified as a Variant of Uncertain Significance.

NM_001378452.1(ITPR1):c.7306C>T (p.Leu2436Phe)

Gene: ITPR1 (inositol 1,4,5-trisphosphate receptor type 1; plus strand). Cytogenetic location: 3p26.1.
Variant type: single nucleotide variant.
Coding change: c.7306C>T on transcript NM_001378452.1 (MANE Select); coding-DNA position 7306, C replaced by T.
Protein change: p.Leu2436Phe; replaces leucine 2436 with phenylalanine.
Molecular consequence: missense variant.
Genome position (GRCh38, 1-based): chr3:4,811,298, C>T. VCF-style: chr3-4811298-C-T. GRCh37 (hg19) VCF-style: chr3-4852982-C-T.
Other names: c.7162C>T, p.Leu2388Phe (NM_001099952.4); c.7261C>T, p.Leu2421Phe (NM_001168272.2); c.7117C>T, p.Leu2373Phe (NM_002222.7); short protein forms L2373F, L2388F, L2421F, L2436F.
Identifiers: ClinVar variation 3646122 (VCV003646122.2).